The following is an entry in ClinVar:

ClinVar aggregate classification (germline): Uncertain significance (1 of 4 stars; one submission).

gnomAD v4.1: 3 of 1,612,248 alleles (0.00019%); highest among the groups gnomAD compares: African/African-American, 0.004%; no homozygotes.

Submission:

Labcorp Genetics (formerly Invitae), Labcorp
Classification: Uncertain significance. Last evaluated: 2026-01-06. Review status: criteria provided, single submitter. Criteria: Invitae Variant Classification Sherloc (09022015). Collection method: clinical testing. Allele origin: germline.
Comment: This sequence change replaces asparagine, which is neutral and polar, with serine, which is neutral and polar, at codon 160 of the CFB protein (p.Asn160Ser). This variant is present in population databases (rs777365717, gnomAD 0.01%). This variant has not been reported in the literature in individuals affected with CFB-related conditions. Invitae Evidence Modeling of protein sequence and biophysical properties (such as structural, functional, and spatial information, amino acid conservation, physicochemical variation, residue mobility, and thermodynamic stability) indicates that this missense variant is not expected to disrupt CFB protein function with a negative predictive value of 80%. In summary, the available evidence is currently insufficient to determine the role of this variant in disease. Therefore, it has been classified as a Variant of Uncertain Significance.

NM_001710.6(CFB):c.479A>G (p.Asn160Ser)

Gene: CFB (complement factor B; plus strand). Cytogenetic location: 6p21.33.
Variant type: single nucleotide variant.
Coding change: c.479A>G on transcript NM_001710.6 (MANE Select); coding-DNA position 479, A replaced by G.
Protein change: p.Asn160Ser; replaces asparagine 160 with serine.
Molecular consequence: missense variant.
Genome position (GRCh38, 1-based): chr6:31,947,187, A>G. VCF-style: chr6-31947187-A-G. GRCh37 (hg19) VCF-style: chr6-31914964-A-G.
Other names: short protein forms N160S.
Identifiers: ClinVar variation 4695717 (VCV004695717.1).